The following is an entry in ClinVar:

ClinVar aggregate classification (germline): Likely benign. Review status: criteria provided, multiple submitters, no conflicts (2 of 4 stars). 4 submissions from 4 submitters: Likely benign (4). Last evaluated 2026-01-03.

Conditions:
Xeroderma pigmentosum (XP). Identifiers: Orphanet 910, MedGen C0043346, MONDO:0019600.

Allele frequency attached by ClinVar (database versions not stated): gnomAD exomes 0.00004 and 0.00014; ExAC 0.00015; gnomAD 0.00045 and 0.00050; ESP Exome Variant Server 0.00046; TOPMed 0.00051.
gnomAD v4.1: 131 of 1,614,034 alleles (0.0081%); highest among the groups gnomAD compares: African/African-American, 0.16%; no homozygotes.

Submissions (4):

Labcorp Genetics (formerly Invitae), Labcorp
Classification: Likely benign. Last evaluated: 2026-01-03. Review status: criteria provided, single submitter. Criteria: Invitae Variant Classification Sherloc (09022015). Collection method: clinical testing. Allele origin: germline.

CeGaT Center for Human Genetics Tuebingen
Classification: Likely benign. Last evaluated: 2023-12-01. Review status: criteria provided, single submitter. Criteria: CeGaT Center For Human Genetics Tuebingen Variant Classification Criteria Version 2. Collection method: clinical testing. Allele origin: germline. Affected: yes. Observed: 1 variant allele.
Comment: ERCC3: BP4, BP7

Blueprint Genetics
Classification: Likely benign. Last evaluated: 2022-08-02. Review status: criteria provided, single submitter. Criteria: ACMG Guidelines, 2015. Collection method: clinical testing. Allele origin: germline.

Sema4
Classification: Likely benign for Xeroderma pigmentosum. Last evaluated: 2021-02-13. Review status: criteria provided, single submitter. Criteria: Sema4 Curation Guidelines. Collection method: curation. Allele origin: germline.

NM_000122.2(ERCC3):c.2334G>A (p.Lys778=)

Gene: ERCC3 (ERCC excision repair 3, TFIIH core complex helicase subunit; minus strand). Cytogenetic location: 2q14.3.
Variant type: single nucleotide variant.
Coding change: c.2334G>A on transcript NM_000122.2 (MANE Select); coding-DNA position 2334, G replaced by A.
Protein change: p.Lys778=; no amino-acid change (lysine 778 retained).
Molecular consequence: synonymous variant.
Genome position (GRCh38, 1-based): chr2:127,257,611, C>T on the plus strand (G>A on the coding strand, the complement: ERCC3 is on the minus strand). VCF-style: chr2-127257611-C-T. GRCh37 (hg19) VCF-style: chr2-128015187-C-T.
Other names: c.2142G>A, p.Lys714= (NM_001303416.2, NM_001303418.2).
Identifiers: ClinVar variation 720551 (VCV000720551.32), dbSNP rs147499527, ClinGen allele CA1858006.
Genomic context (GRCh38, chr2:127,257,611, plus strand): 5'-AAGGGTGCCAAGCGCCGGTCTTGAACGAAGTACCCTGCCTAAGCATCATTTCCTAAAGCG[C>T]TTGAAGAGCGGGTGTACATGTTTGCTGGGCGCCTTGCTCCGCGATGAGTGGTACTCCATG-3'
Protein context (NP_000113.1, residues 768-782): APSKHVHPLF[Lys778=]RFRK